The following is an entry in ClinVar:

ClinVar aggregate classification (germline): Pathogenic (1 of 4 stars; one submission).

Conditions:
USH2A-related disorder. Also called: USH2A-related condition; USH2A-related disorders. Identifiers: MedGen CN239332.

Submission:

Myriad Genetics, Inc.
Classification: Pathogenic for USH2A-related disorder. Last evaluated: 2025-06-11. Review status: criteria provided, single submitter. Criteria: Myriad Autosomal Dominant, Autosomal Recessive and X-Linked Classification Criteria (2023). Collection method: clinical testing. Allele origin: unknown.
Comment: NM_206933.2(USH2A):c.6273C>G(Y2091*) is expected to be pathogenic in the context of USH2A-related disorders. This variant is predicted to lead to an abnormal or absent protein product due to the creation of a premature termination codon in USH2A, a gene where loss-of-function variants are known to be pathogenic. Please note: this variant was assessed in the context of healthy population screening.

NM_206933.4(USH2A):c.6273C>G (p.Tyr2091Ter)

Gene: USH2A (usherin; minus strand). Cytogenetic location: 1q41.
Variant type: single nucleotide variant.
Coding change: c.6273C>G on transcript NM_206933.4 (MANE Select); coding-DNA position 6273, C replaced by G.
Protein change: p.Tyr2091Ter; replaces tyrosine 2091 with a stop codon.
Molecular consequence: nonsense.
Genome position (GRCh38, 1-based): chr1:216,046,483, G>C on the plus strand (C>G on the coding strand, the complement: USH2A is on the minus strand). VCF-style: chr1-216046483-G-C. GRCh37 (hg19) VCF-style: chr1-216219825-G-C.
Other names: short protein forms Y2091*.
Identifiers: ClinVar variation 5014581 (VCV005014581.1).